The following is an entry in ClinVar:

NM_015509.4(NECAP1):c.791A>G (p.Asn264Ser)

Gene: NECAP1 (NECAP endocytosis associated 1; plus strand). Cytogenetic location: 12p13.31.
Variant type: single nucleotide variant.
Coding change: c.791A>G on transcript NM_015509.4 (MANE Select); coding-DNA position 791, A replaced by G.
Protein change: p.Asn264Ser; replaces asparagine 264 with serine.
Molecular consequence: missense variant. On other transcripts: non-coding transcript variant (1).
Genome position (GRCh38, 1-based): chr12:8,096,053, A>G. VCF-style: chr12-8096053-A-G. GRCh37 (hg19) VCF-style: chr12-8248649-A-G.
Other names: short protein forms N264S.
Identifiers: ClinVar variation 475009 (VCV000475009.7), dbSNP rs145154841, ClinGen allele CA6432367.

ClinVar aggregate classification (germline): Uncertain significance (1 of 4 stars; one submission).

Conditions:
Developmental and epileptic encephalopathy, 21 (DEE21). Also called: Early infantile epileptic encephalopathy 21. Identifiers: Orphanet 442835, MedGen C4014430, MONDO:0014360, OMIM 615833.

Allele frequency attached by ClinVar (database versions not stated): gnomAD exomes 0.00002 and 0.00009; ExAC 0.00012; TOPMed 0.00017; gnomAD 0.00019 and 0.00023; ESP Exome Variant Server 0.00023; 1000 Genomes Project 30x 0.00078; 1000 Genomes Project 0.00100.
gnomAD v4.1: 74 of 1,614,142 alleles (0.0046%); highest among the groups gnomAD compares: East Asian, 0.042%; no homozygotes.

Submission:

Labcorp Genetics (formerly Invitae), Labcorp
Classification: Uncertain significance for Developmental and epileptic encephalopathy, 21. Last evaluated: 2022-08-22. Review status: criteria provided, single submitter. Criteria: Invitae Variant Classification Sherloc (09022015). Collection method: clinical testing. Allele origin: germline.
Comment: This sequence change replaces asparagine, which is neutral and polar, with serine, which is neutral and polar, at codon 264 of the NECAP1 protein (p.Asn264Ser). This variant is present in population databases (rs145154841, gnomAD 0.06%). This variant has not been reported in the literature in individuals affected with NECAP1-related conditions. ClinVar contains an entry for this variant (Variation ID: 475009). Algorithms developed to predict the effect of missense changes on protein structure and function output the following: SIFT: "Tolerated"; PolyPhen-2: "Benign"; Align-GVGD: "Class C0". The serine amino acid residue is found in multiple mammalian species, which suggests that this missense change does not adversely affect protein function. Algorithms developed to predict the effect of sequence changes on RNA splicing suggest that this variant may create or strengthen a splice site. In summary, the available evidence is currently insufficient to determine the role of this variant in disease. Therefore, it has been classified as a Variant of Uncertain Significance.